The following is an entry in ClinVar:

ClinVar aggregate classification (germline): Uncertain significance (1 of 4 stars; one submission).

Conditions:
Holoprosencephaly 5 (HPE5). Identifiers: Orphanet 2162, MedGen C1864827, MONDO:0012322, OMIM 609637.

Submission:

Labcorp Genetics (formerly Invitae), Labcorp
Classification: Uncertain significance for Holoprosencephaly 5. Last evaluated: 2023-06-15. Review status: criteria provided, single submitter. Criteria: Invitae Variant Classification Sherloc (09022015). Collection method: clinical testing. Allele origin: germline.
Comment: In summary, the available evidence is currently insufficient to determine the role of this variant in disease. Therefore, it has been classified as a Variant of Uncertain Significance. This sequence change replaces glycine, which is neutral and non-polar, with glutamic acid, which is acidic and polar, at codon 439 of the ZIC2 protein (p.Gly439Glu). This variant is not present in population databases (gnomAD no frequency). This variant has not been reported in the literature in individuals affected with ZIC2-related conditions. Advanced modeling of protein sequence and biophysical properties (such as structural, functional, and spatial information, amino acid conservation, physicochemical variation, residue mobility, and thermodynamic stability) performed at Invitae indicates that this missense variant is not expected to disrupt ZIC2 protein function.

NM_007129.5(ZIC2):c.1316G>A (p.Gly439Glu)

Gene: ZIC2 (Zic family zinc finger 2; plus strand). Cytogenetic location: 13q32.3.
Variant type: single nucleotide variant.
Coding change: c.1316G>A on transcript NM_007129.5 (MANE Select); coding-DNA position 1316, G replaced by A.
Protein change: p.Gly439Glu; replaces glycine 439 with glutamic acid.
Molecular consequence: missense variant.
Genome position (GRCh38, 1-based): chr13:99,985,399, G>A. VCF-style: chr13-99985399-G-A. GRCh37 (hg19) VCF-style: chr13-100637653-G-A.
Other names: short protein forms G439E.
Identifiers: ClinVar variation 2716885 (VCV002716885.3), dbSNP rs2053259611, ClinGen allele CA388639321.
Genomic context (GRCh38, chr13:99,985,399, plus strand): 5'-CGCAGGGCTCTGAATCCTCCCCGGCCGCCAGCTCCGGCTATGAGTCGTCCACGCCCCCGG[G>A]GCTGGTGTCCCCCAGCGCCGAGCCCCAGAGCAGCTCCAACCTGTCCCCAGCGGCGGCGGC-3'
Protein context (NP_009060.2, residues 429-449): SSGYESSTPP[Gly439Glu]LVSPSAEPQS